The following is an entry in ClinVar:

NM_001394998.1(TANC2):c.5150A>G (p.Tyr1717Cys)

Gene: TANC2 (tetratricopeptide repeat, ankyrin repeat and coiled-coil containing 2; plus strand). Cytogenetic location: 17q23.3.
Variant type: single nucleotide variant.
Coding change: c.5150A>G on transcript NM_001394998.1 (MANE Select); coding-DNA position 5150, A replaced by G.
Protein change: p.Tyr1717Cys; replaces tyrosine 1717 with cysteine.
Molecular consequence: missense variant.
Genome position (GRCh38, 1-based): chr17:63,420,880, A>G. VCF-style: chr17-63420880-A-G. GRCh37 (hg19) VCF-style: chr17-61498241-A-G.
Other names: c.4928A>G, p.Tyr1643Cys (NM_001411076.1); c.4898A>G, p.Tyr1633Cys (NM_025185.4); short protein forms Y1633C, Y1643C, Y1717C.
Identifiers: ClinVar variation 3351719 (VCV003351719.1).

ClinVar aggregate classification (germline): Uncertain significance (0 of 4 stars; one submission).

Conditions:
TANC2-related disorder. Also called: TANC2-related condition.

gnomAD v4.1: 2 of 1,614,046 alleles (0.00012%); highest among the groups gnomAD compares: Non-Finnish European, 0.00017%; no homozygotes.

Submission:

PreventionGenetics, part of Exact Sciences
Classification: Uncertain significance for TANC2-related condition. Last evaluated: 2024-05-23. Review status: no assertion criteria provided. Collection method: clinical testing. Allele origin: germline.
Comment: The TANC2 c.4898A>G variant is predicted to result in the amino acid substitution p.Tyr1633Cys. To our knowledge, this variant has not been reported in the literature. This variant is reported in 0.00088% of alleles in individuals of European (Non-Finnish) descent in gnomAD. At this time, the clinical significance of this variant is uncertain due to the absence of conclusive functional and genetic evidence.